The following is an entry in ClinVar:

ClinVar aggregate classification (germline): Pathogenic (1 of 4 stars; one submission).

Conditions:
Multiple congenital exostosis (EXT). Also called: Hereditary multiple osteochondromas; Multiple exostoses; Multiple osteochondromas; MULTIPLE CARTILAGINOUS EXOSTOSES; Hereditary multiple exostoses; Hereditary multiple exostosis. Identifiers: Orphanet 321, MedGen C0015306, MONDO:0005508, HP:0002762.

Submission:

Labcorp Genetics (formerly Invitae), Labcorp
Classification: Pathogenic for Multiple congenital exostosis. Last evaluated: 2022-02-06. Review status: criteria provided, single submitter. Criteria: Invitae Variant Classification Sherloc (09022015). Collection method: clinical testing. Allele origin: germline.
Comment: This variant is a gross deletion of the genomic region encompassing exon(s) 8 of the EXT1 gene. This variant would be expected to be in-frame, preserving the integrity of the reading frame. A similar copy number variant has been observed in individual(s) with multiple osteochondromas (PMID: 18165274, 26839764). It has also been observed to segregate with disease in related individuals. This variant disrupts a region of the EXT1 protein in which other variant(s) (p.Leu562Pro) have been determined to be pathogenic (PMID: 18165274, 21499719, 23262345). This suggests that this is a clinically significant region of the protein, and that variants that disrupt it are likely to be disease-causing. For these reasons, this variant has been classified as Pathogenic.

Literature cited by the submitters: PubMed 18165274; PubMed 26839764; PubMed 21499719; PubMed 23262345.

NC_000008.10:g.(?_118825091)_(118825220_?)del

Gene: EXT1 (exostosin glycosyltransferase 1; minus strand). Cytogenetic location: 8q24.11.
Variant type: Deletion.
Identifiers: ClinVar variation 2422392 (VCV002422392.2).